The following is an entry in ClinVar:

ClinVar aggregate classification (germline): Uncertain significance (1 of 4 stars; one submission).

Conditions:
Adams-Oliver syndrome 5 (AOS5). Identifiers: Orphanet 974, MedGen C4014970, MONDO:0014459, OMIM 616028.

gnomAD v4.1: 1 of 1,613,028 alleles (0.000062%); highest among the groups gnomAD compares: Non-Finnish European, 0.000085%; no homozygotes.

Submission:

Labcorp Genetics (formerly Invitae), Labcorp
Classification: Uncertain significance for Adams-Oliver syndrome 5. Last evaluated: 2025-12-15. Review status: criteria provided, single submitter. Criteria: Invitae Variant Classification Sherloc (09022015). Collection method: clinical testing. Allele origin: germline.
Comment: This sequence change replaces alanine, which is neutral and non-polar, with valine, which is neutral and non-polar, at codon 646 of the NOTCH1 protein (p.Ala646Val). This variant is not present in population databases (gnomAD no frequency). This variant has not been reported in the literature in individuals affected with NOTCH1-related conditions. Invitae Evidence Modeling of protein sequence and biophysical properties (such as structural, functional, and spatial information, amino acid conservation, physicochemical variation, residue mobility, and thermodynamic stability) indicates that this missense variant is not expected to disrupt NOTCH1 protein function with a negative predictive value of 95%. In summary, the available evidence is currently insufficient to determine the role of this variant in disease. Therefore, it has been classified as a Variant of Uncertain Significance.

NM_017617.5(NOTCH1):c.1937C>T (p.Ala646Val)

Gene: NOTCH1 (notch receptor 1; minus strand). Cytogenetic location: 9q34.3.
Variant type: single nucleotide variant.
Coding change: c.1937C>T on transcript NM_017617.5 (MANE Select); coding-DNA position 1937, C replaced by T.
Protein change: p.Ala646Val; replaces alanine 646 with valine.
Molecular consequence: missense variant.
Genome position (GRCh38, 1-based): chr9:136,515,367, G>A on the plus strand (C>T on the coding strand, the complement: NOTCH1 is on the minus strand). VCF-style: chr9-136515367-G-A. GRCh37 (hg19) VCF-style: chr9-139409819-G-A.
Other names: short protein forms A646V.
Identifiers: ClinVar variation 4704753 (VCV004704753.1).